The following is an entry in ClinVar:

ClinVar aggregate classification (germline): Uncertain significance. Review status: criteria provided, multiple submitters, no conflicts (2 of 4 stars). 2 submissions from 2 submitters: Uncertain significance (2). Last evaluated 2025-12-01.

Conditions:
Hereditary cancer-predisposing syndrome. Also called: Hereditary neoplastic syndrome; Neoplastic Syndromes, Hereditary; Hereditary Cancer Syndrome; Tumor predisposition. Identifiers: Orphanet 140162, MedGen C0027672, MeSH D009386, MONDO:0015356.

Allele frequency attached by ClinVar (database versions not stated): gnomAD exomes below 0.00001.
gnomAD v4.1: 2 of 1,600,240 alleles (0.00012%); highest among the groups gnomAD compares: South Asian, 0.0011%; no homozygotes.

Submissions (2):

Labcorp Genetics (formerly Invitae), Labcorp
Classification: Uncertain significance. Last evaluated: 2025-12-01. Review status: criteria provided, single submitter. Criteria: Invitae Variant Classification Sherloc (09022015). Collection method: clinical testing. Allele origin: germline.
Comment: This sequence change replaces isoleucine, which is neutral and non-polar, with valine, which is neutral and non-polar, at codon 492 of the MSH3 protein (p.Ile492Val). This variant is not present in population databases (gnomAD no frequency). This variant has not been reported in the literature in individuals affected with MSH3-related conditions. ClinVar contains an entry for this variant (Variation ID: 1719712). An algorithm developed to predict the effect of missense changes on protein structure and function outputs the following: PolyPhen-2: "Benign". The valine amino acid residue is found in multiple mammalian species, which suggests that this missense change does not adversely affect protein function. In summary, the available evidence is currently insufficient to determine the role of this variant in disease. Therefore, it has been classified as a Variant of Uncertain Significance.

Ambry Genetics
Classification: Uncertain significance for Hereditary cancer-predisposing syndrome. Last evaluated: 2025-10-05. Review status: criteria provided, single submitter. Criteria: Ambry Variant Classification Scheme 2023. Collection method: clinical testing. Allele origin: germline.
Comment: The p.I492V variant (also known as c.1474A>G), located in coding exon 10 of the MSH3 gene, results from an A to G substitution at nucleotide position 1474. The isoleucine at codon 492 is replaced by valine, an amino acid with highly similar properties. This amino acid position is conserved. In addition, this alteration is predicted to be tolerated by in silico analysis. Based on the available evidence, the clinical significance of this variant remains unclear.

NM_002439.5(MSH3):c.1474A>G (p.Ile492Val)

Gene: MSH3 (mutS homolog 3; plus strand). Cytogenetic location: 5q14.1.
Variant type: single nucleotide variant.
Coding change: c.1474A>G on transcript NM_002439.5 (MANE Select); coding-DNA position 1474, A replaced by G.
Protein change: p.Ile492Val; replaces isoleucine 492 with valine.
Molecular consequence: missense variant.
Genome position (GRCh38, 1-based): chr5:80,728,871, A>G. VCF-style: chr5-80728871-A-G. GRCh37 (hg19) VCF-style: chr5-80024690-A-G.
Other names: c.1474A>G (NM_002439.3); short protein forms I492V.
Identifiers: ClinVar variation 1719712 (VCV001719712.6), dbSNP rs2112857836, ClinGen allele CA360274181.
Genomic context (GRCh38, chr5:80,728,871, plus strand): 5'-AAAGAATTTTTATAACAAGTTAATATATTCTGTTTTCTAGGTTCTCAAATTATTTCTGGC[A>G]TTGTTAACTTAGAGAAGCCTGTGATTTGCTCTTTGGCTGCCATCATAAAATACCTCAAAG-3'
Protein context (NP_002430.3, residues 482-502): DIKGSQIISG[Ile492Val]VNLEKPVICS